The following is an entry in ClinVar:

ClinVar aggregate classification (germline): Uncertain significance. Review status: criteria provided, multiple submitters, no conflicts (2 of 4 stars). 3 submissions from 3 submitters: Uncertain significance (3). Last evaluated 2024-12-09.

Conditions:
Hereditary cancer-predisposing syndrome. Also called: Tumor predisposition; Neoplastic Syndromes, Hereditary; Hereditary neoplastic syndrome; Hereditary Cancer Syndrome. Identifiers: Orphanet 140162, MedGen C0027672, MeSH D009386, MONDO:0015356.
Hereditary breast ovarian cancer syndrome. Also called: Breast and ovarian cancer; BRCA1- and BRCA2-Associated Hereditary Breast and Ovarian Cancer; Hereditary breast and ovarian cancer syndrome (HBOC); Hereditary breast and ovarian cancer; Hereditary breast and/or ovarian cancer syndrome; Hereditary breast and ovarian cancer syndrome. Identifiers: Orphanet 145, MedGen C0677776, MeSH D061325, MONDO:0003582. Disease mechanism: loss of function.

Submissions (3):

Ambry Genetics
Classification: Uncertain significance for Hereditary cancer-predisposing syndrome. Last evaluated: 2024-12-09. Review status: criteria provided, single submitter. Criteria: Ambry Variant Classification Scheme 2023. Collection method: clinical testing. Allele origin: germline.
Comment: The p.L205* variant (also known as c.614T>G), located in coding exon 8 of the BRCA1 gene, results from a T to G substitution at nucleotide position 614. This changes the amino acid from a leucine to a stop codon within coding exon 8. Alterations that result in premature protein truncation are typically deleterious in nature. However, because this alteration occurs in one of the two exons that are absent in an in-frame, partially functional, naturally occurring isoform (&Delta;7_8, which is also known in the literature as BRCA1 &Delta;9_10), it has an uncertain impact on pathogenicity (Colombo M et al. Hum. Mol. Genet. 2014 Jul;23:3666-80; Whiley PJ et al. Clin. Chem. 2014 Feb;60:341-52). As such, the clinical significance of this alteration remains unclear.

Women's Health and Genetics/Laboratory Corporation of America, LabCorp
Classification: Uncertain significance. Last evaluated: 2024-11-15. Review status: criteria provided, single submitter. Criteria: LabCorp Variant Classification Summary - May 2015. Collection method: clinical testing. Allele origin: germline.
Comment: Variant summary: BRCA1 c.614T>G (p.Leu205X) results in a premature termination codon, predicted to cause a truncation of the encoded protein or absence of the protein due to nonsense mediated decay. An in-frame BRCA1 isoform with exons 8 and 9 deleted (also known as exons 9 and 10) is highly expressed in blood from unaffected individuals and in normal breast tissue. Experimental evidence showed that this isoform retains protein function and could functionally rescue loss-of-function variants within exons 8-9 (PMID: 27008870). The variant was absent in 250778 control chromosomes. The available data on variant occurrences in the general population are insufficient to allow any conclusion about variant significance. To our knowledge, no occurrence of c.614T>G in individuals affected with Hereditary Breast And Ovarian Cancer Syndrome and no experimental evidence demonstrating its impact on protein function have been reported. ClinVar contains an entry for this variant (Variation ID: 496399). Based on the evidence outlined above, the variant was classified as uncertain significance.

Labcorp Genetics (formerly Invitae), Labcorp
Classification: Uncertain significance for Hereditary breast ovarian cancer syndrome. Last evaluated: 2024-05-12. Review status: criteria provided, single submitter. Criteria: Invitae Variant Classification Sherloc (09022015). Collection method: clinical testing. Allele origin: germline.
Comment: This sequence change creates a premature translational stop signal (p.Leu205*) in the BRCA1 gene. Loss-of-function variants in BRCA1 are expected to be pathogenic (PMID: 20104584). However, an in-frame BRCA1 isoform lacking exons 8 and 9 (also known as exons 9 and 10) is highly expressed in blood from unaffected individuals and in normal breast tissue; this isoform may retain protein function and could functionally rescue loss-of-function variants within exons 8-9 (PMID: 24569164). This variant is not present in population databases (gnomAD no frequency). This variant has not been reported in the literature in individuals affected with BRCA1-related conditions. ClinVar contains an entry for this variant (Variation ID: 496399). In summary, the available evidence is currently insufficient to determine the role of this variant in disease. Therefore, it has been classified as a Variant of Uncertain Significance.

Literature cited by the submitters: PubMed 20104584 (cited by Labcorp Genetics (formerly Invitae), Labcorp); PubMed 24569164 (cited by Labcorp Genetics (formerly Invitae), Labcorp).

NM_007294.4(BRCA1):c.614T>G (p.Leu205Ter)

Gene: BRCA1 (BRCA1 DNA repair associated; minus strand). Cytogenetic location: 17q21.31.
Variant type: single nucleotide variant.
Coding change: c.614T>G on transcript NM_007294.4 (MANE Select); coding-DNA position 614, T replaced by G.
Protein change: p.Leu205Ter; replaces leucine 205 with a stop codon.
Molecular consequence: nonsense. On other transcripts: non-coding transcript variant (1).
Genome position (GRCh38, 1-based): chr17:43,095,902, A>C on the plus strand (T>G on the coding strand, the complement: BRCA1 is on the minus strand). VCF-style: chr17-43095902-A-C. GRCh37 (hg19) VCF-style: chr17-41247919-A-C.
Other names: c.470T>G, p.Leu157Ter (NM_001407845.1, NM_001407847.1, NM_001407848.1 and 26 more transcripts); c.401T>G, p.Leu134Ter (NM_001407571.1, NM_001407853.1, NM_001407894.1 and 12 more transcripts); c.614T>G, p.Leu205Ter (NM_001407581.1, NM_001407582.1, NM_001407583.1 and 59 more transcripts); c.611T>G, p.Leu204Ter (NM_001407587.1, NM_001407590.1, NM_001407591.1 and 41 more transcripts); c.605T>G, p.Leu202Ter (NM_001407646.1, NM_001407647.1, NM_001408408.1); c.536T>G, p.Leu179Ter (NM_001407653.1, NM_001407654.1, NM_001407655.1 and 9 more transcripts); c.533T>G, p.Leu178Ter (NM_001407659.1, NM_001407660.1, NM_001407661.1 and 3 more transcripts); c.473T>G, p.Leu158Ter (NM_001407692.1, NM_001407694.1, NM_001407695.1 and 43 more transcripts); and 4 more; short protein forms L205*, L158*, L134*, L157*, L178*, L135*, L179*, L204*.
Identifiers: ClinVar variation 496399 (VCV000496399.5), dbSNP rs1555593598, ClinGen allele CA10600875.